The following is an entry in ClinVar:

ClinVar aggregate classification (germline): Uncertain significance (1 of 4 stars; one submission).

Submission:

Labcorp Genetics (formerly Invitae), Labcorp
Classification: Uncertain significance. Last evaluated: 2022-06-27. Review status: criteria provided, single submitter. Criteria: Invitae Variant Classification Sherloc (09022015). Collection method: clinical testing. Allele origin: germline.
Comment: This sequence change replaces methionine, which is neutral and non-polar, with valine, which is neutral and non-polar, at codon 460 of the MPDZ protein (p.Met460Val). In summary, the available evidence is currently insufficient to determine the role of this variant in disease. Therefore, it has been classified as a Variant of Uncertain Significance. Algorithms developed to predict the effect of missense changes on protein structure and function output the following: SIFT: "Deleterious"; PolyPhen-2: "Benign"; Align-GVGD: "Class C15". The valine amino acid residue is found in multiple mammalian species, which suggests that this missense change does not adversely affect protein function. This variant has not been reported in the literature in individuals affected with MPDZ-related conditions. This variant is not present in population databases (gnomAD no frequency).

NM_001378778.1(MPDZ):c.1378A>G (p.Met460Val)

Gene: MPDZ (multiple PDZ domain crumbs cell polarity complex component; minus strand). Cytogenetic location: 9p23.
Variant type: single nucleotide variant.
Coding change: c.1378A>G on transcript NM_001378778.1 (MANE Select); coding-DNA position 1378, A replaced by G.
Protein change: p.Met460Val; replaces methionine 460 with valine.
Molecular consequence: missense variant.
Genome position (GRCh38, 1-based): chr9:13,206,012, T>C on the plus strand (A>G on the coding strand, the complement: MPDZ is on the minus strand). VCF-style: chr9-13206012-T-C. GRCh37 (hg19) VCF-style: chr9-13206011-T-C.
Other names: c.1378A>G, p.Met460Val (NM_001261406.2, NM_001261407.2, NM_001330637.2 and 14 more transcripts); short protein forms M460V.
Identifiers: ClinVar variation 2173934 (VCV002173934.4), dbSNP rs1956946970, ClinGen allele CA372943261.